The following is an entry in ClinVar:

ClinVar aggregate classification (germline): Uncertain significance (1 of 4 stars; one submission).

Submission:

Labcorp Genetics (formerly Invitae), Labcorp
Classification: Uncertain significance. Last evaluated: 2023-02-11. Review status: criteria provided, single submitter. Criteria: Invitae Variant Classification Sherloc (09022015). Collection method: clinical testing. Allele origin: germline.
Comment: Algorithms developed to predict the effect of missense changes on protein structure and function are either unavailable or do not agree on the potential impact of this missense change (SIFT: "Deleterious"; PolyPhen-2: "Probably Damaging"; Align-GVGD: "Class C0"). In summary, the available evidence is currently insufficient to determine the role of this variant in disease. Therefore, it has been classified as a Variant of Uncertain Significance. This variant has not been reported in the literature in individuals affected with TOPORS-related conditions. This variant is not present in population databases (gnomAD no frequency). This sequence change replaces aspartic acid, which is acidic and polar, with tyrosine, which is neutral and polar, at codon 528 of the TOPORS protein (p.Asp528Tyr).

NM_005802.5(TOPORS):c.1582G>T (p.Asp528Tyr)

Gene: TOPORS (TOP1 binding arginine/serine rich protein, E3 ubiquitin ligase; minus strand). Cytogenetic location: 9p21.1.
Variant type: single nucleotide variant.
Coding change: c.1582G>T on transcript NM_005802.5 (MANE Select); coding-DNA position 1582, G replaced by T.
Protein change: p.Asp528Tyr; replaces aspartic acid 528 with tyrosine.
Molecular consequence: missense variant.
Genome position (GRCh38, 1-based): chr9:32,542,943, C>A on the plus strand (G>T on the coding strand, the complement: TOPORS is on the minus strand). VCF-style: chr9-32542943-C-A. GRCh37 (hg19) VCF-style: chr9-32542941-C-A.
Other names: c.1387G>T, p.Asp463Tyr (NM_001195622.2); short protein forms D463Y, D528Y.
Identifiers: ClinVar variation 2836397 (VCV002836397.3), dbSNP rs2489450742, ClinGen allele CA373169266.
Genomic context (GRCh38, chr9:32,542,943, plus strand): 5'-CTTTATTTATTTGTTCATCCTTTCCAAGGACAGAGTGTGGAGATGAGCATCTACTAACAT[C>A]GCTATCACCAGAACTGTAAGATTGCTCCTGTTCTTGTGTCTTCACTGTCTCCATTTTCTC-3'
Protein context (NP_005793.2, residues 518-538): QEQSYSSGDS[Asp528Tyr]VSRCSSPHSV